The following is an entry in ClinVar:

NM_020738.4(KIDINS220):c.4919T>C (p.Ile1640Thr)

Gene: KIDINS220 (kinase D interacting substrate 220; minus strand). Cytogenetic location: 2p25.1.
Variant type: single nucleotide variant.
Coding change: c.4919T>C on transcript NM_020738.4 (MANE Select); coding-DNA position 4919, T replaced by C.
Protein change: p.Ile1640Thr; replaces isoleucine 1640 with threonine.
Molecular consequence: missense variant. On other transcripts: intron variant (6).
Genome position (GRCh38, 1-based): chr2:8,731,117, A>G on the plus strand (T>C on the coding strand, the complement: KIDINS220 is on the minus strand). VCF-style: chr2-8731117-A-G. GRCh37 (hg19) VCF-style: chr2-8871247-A-G.
Other names: c.4922T>C, p.Ile1641Thr (NM_001348729.2); c.4865T>C, p.Ile1622Thr (NM_001348731.2); c.4862T>C, p.Ile1621Thr (NM_001348732.2); c.4751T>C, p.Ile1584Thr (NM_001348734.2); c.4748T>C, p.Ile1583Thr (NM_001348735.2); c.4622T>C, p.Ile1541Thr (NM_001348736.2); c.3882+2327T>C (NM_001348741.2, NM_001348742.2, NM_001348743.2); c.3996+2327T>C (NM_001348738.2); and 1 more; short protein forms I1541T, I1583T, I1584T, I1621T, I1622T, I1640T, I1641T.
Identifiers: ClinVar variation 3357047 (VCV003357047.1).

ClinVar aggregate classification (germline): Uncertain significance (0 of 4 stars; one submission).

Conditions:
KIDINS220-related disorder. Also called: KIDINS220-related condition.

gnomAD v4.1: 37 of 1,614,060 alleles (0.0023%); highest among the groups gnomAD compares: Non-Finnish European, 0.003%; no homozygotes.

Submission:

PreventionGenetics, part of Exact Sciences
Classification: Uncertain significance for KIDINS220-related condition. Last evaluated: 2024-03-08. Review status: no assertion criteria provided. Collection method: clinical testing. Allele origin: germline.
Comment: The KIDINS220 c.4919T>C variant is predicted to result in the amino acid substitution p.Ile1640Thr. To our knowledge, this variant has not been reported in the literature. This variant is reported in 0.0016% of alleles in individuals of European (Non-Finnish) descent in gnomAD. At this time, the clinical significance of this variant is uncertain due to the absence of conclusive functional and genetic evidence.